The following is an entry in ClinVar:

NM_000316.3(PTH1R):c.524C>G (p.Thr175Ser)

Gene: PTH1R (parathyroid hormone 1 receptor; plus strand). Cytogenetic location: 3p21.31.
Variant type: single nucleotide variant.
Coding change: c.524C>G on transcript NM_000316.3 (MANE Select); coding-DNA position 524, C replaced by G.
Protein change: p.Thr175Ser; replaces threonine 175 with serine.
Molecular consequence: missense variant.
Genome position (GRCh38, 1-based): chr3:46,898,173, C>G. VCF-style: chr3-46898173-C-G. GRCh37 (hg19) VCF-style: chr3-46939663-C-G.
Other names: c.524C>G, p.Thr175Ser (NM_001184744.1); c.524C>G (NM_000316.2); short protein forms T175S.
Identifiers: ClinVar variation 3017034 (VCV003017034.5), dbSNP rs749928840, ClinGen allele CA2359203.

ClinVar aggregate classification (germline): Uncertain significance. Review status: criteria provided, multiple submitters, no conflicts (2 of 4 stars). 3 submissions from 3 submitters: Uncertain significance (3). Last evaluated 2025-10-25.

Conditions:
Inborn genetic diseases. Identifiers: MedGen C0950123, MeSH D030342.
Primary failure of tooth eruption. Also called: DENTAL NONERUPTION; UNERUPTED SECOND PRIMARY MOLAR; PRIMARY RETENTION OF TEETH; POSTERIOR OPENBITE MALOCCLUSION, FAMILIAL. Identifiers: Orphanet 412206, MedGen C1852222, MONDO:0007434, OMIM 125350.
Chondrodysplasia Blomstrand type (BOCD). Identifiers: Orphanet 50945, MedGen C1859148, MONDO:0008970, OMIM 215045.
Metaphyseal chondrodysplasia, Jansen type. Also called: Metaphyseal chondrodysplasia Murk Jansen type; PTH1R-Related Jansen Metaphyseal Chondrodysplasia. Identifiers: Orphanet 33067, MedGen C0265295, MONDO:0007982, OMIM 156400.
Eiken syndrome (EKNS). Also called: BONE MODELING DEFECT OF HANDS AND FEET. Identifiers: Orphanet 79106, MedGen C1838779, MONDO:0010803, OMIM 600002.

Allele frequency attached by ClinVar (database versions not stated): ExAC 0.00001; gnomAD exomes 0.00001; gnomAD 0.00003; TOPMed 0.00003.

Submissions (3):

Ambry Genetics
Classification: Uncertain significance for Inborn genetic diseases. Last evaluated: 2025-10-25. Review status: criteria provided, single submitter. Criteria: Ambry Variant Classification Scheme 2023. Collection method: clinical testing. Allele origin: germline.

Labcorp Genetics (formerly Invitae), Labcorp
Classification: Uncertain significance. Last evaluated: 2025-07-08. Review status: criteria provided, single submitter. Criteria: Invitae Variant Classification Sherloc (09022015). Collection method: clinical testing. Allele origin: germline.
Comment: This sequence change replaces threonine, which is neutral and polar, with serine, which is neutral and polar, at codon 175 of the PTH1R protein (p.Thr175Ser). This variant is present in population databases (rs749928840, gnomAD 0.003%). This variant has not been reported in the literature in individuals affected with PTH1R-related conditions. ClinVar contains an entry for this variant (Variation ID: 3017034). Invitae Evidence Modeling of protein sequence and biophysical properties (such as structural, functional, and spatial information, amino acid conservation, physicochemical variation, residue mobility, and thermodynamic stability) indicates that this missense variant is not expected to disrupt PTH1R protein function with a negative predictive value of 80%. In summary, the available evidence is currently insufficient to determine the role of this variant in disease. Therefore, it has been classified as a Variant of Uncertain Significance.

Fulgent Genetics
Classification: Uncertain significance for Primary failure of tooth eruption; Metaphyseal chondrodysplasia, Jansen type; Chondrodysplasia Blomstrand type; Eiken syndrome. Last evaluated: 2024-05-23. Review status: criteria provided, single submitter. Criteria: ACMG Guidelines, 2015. Collection method: clinical testing. Allele origin: germline.